The following is an entry in ClinVar:

NM_001743.6(CALM2):c.263A>C (p.Glu88Ala)

Gene: CALM2 (calmodulin 2; minus strand). Cytogenetic location: 2p21.
Variant type: single nucleotide variant.
Coding change: c.263A>C on transcript NM_001743.6 (MANE Select); coding-DNA position 263, A replaced by C.
Protein change: p.Glu88Ala; replaces glutamic acid 88 with alanine.
Molecular consequence: missense variant.
Genome position (GRCh38, 1-based): chr2:47,162,308, T>G on the plus strand (A>C on the coding strand, the complement: CALM2 is on the minus strand). VCF-style: chr2-47162308-T-G. GRCh37 (hg19) VCF-style: chr2-47389447-T-G.
Other names: c.407A>C, p.Glu136Ala (NM_001305624.1); c.155A>C, p.Glu52Ala (NM_001305625.2, NM_001305626.1); short protein forms E88A, E136A, E52A.
Identifiers: ClinVar variation 4722851 (VCV004722851.1).
Genomic context (GRCh38, chr2:47,162,308, plus strand): 5'-TCATCCTCAAAATTTAACATATCCAGTCCTTGACGTACCTTATCAAACACACGGAATGCT[T>G]CTCTAATTTCTTCTTCACTGTCTGTGTCTTTCATTTTTCTTGCCATCATTGTCAGAAATT-3'
Protein context (NP_001734.1, residues 78-98): KDTDSEEEIR[Glu88Ala]AFRVFDKDGN

ClinVar aggregate classification (germline): Uncertain significance (1 of 4 stars; one submission).

Conditions:
Long QT syndrome 1 (LQT1). Identifiers: Orphanet 101016, Orphanet 768, MedGen C4551647, MONDO:0100316, OMIM 192500, MONDO:0008646.

Submission:

Labcorp Genetics (formerly Invitae), Labcorp
Classification: Uncertain significance for Long QT syndrome 1. Last evaluated: 2026-01-12. Review status: criteria provided, single submitter. Criteria: Invitae Variant Classification Sherloc (09022015). Collection method: clinical testing. Allele origin: germline.
Comment: This sequence change replaces glutamic acid, which is acidic and polar, with alanine, which is neutral and non-polar, at codon 88 of the CALM2 protein (p.Glu88Ala). This variant is not present in population databases (gnomAD no frequency). This variant has not been reported in the literature in individuals affected with CALM2-related conditions. An algorithm developed to predict the effect of missense changes on protein structure and function (PolyPhen-2) suggests that this variant is likely to be disruptive. In summary, the available evidence is currently insufficient to determine the role of this variant in disease. Therefore, it has been classified as a Variant of Uncertain Significance.